The following is an entry in ClinVar:

NM_001371904.1(APOA5):c.509_514del (p.Trp170_Ala171del)

Gene: APOA5 (apolipoprotein A5; minus strand). Cytogenetic location: 11q23.3.
Variant type: Deletion.
Coding change: c.509_514del on transcript NM_001371904.1 (MANE Select); coding-DNA positions 509 to 514, 6 bases deleted (GGGCTT; older notation c.509_514delGGGCTT).
Protein change: p.Trp170_Ala171del.
Molecular consequence: inframe deletion.
Genome position (GRCh38, 1-based): chr11:116,790,715-116,790,720, AAGCCC deleted on the plus strand (GGGCTT on the coding strand, the reverse complement: APOA5 is on the minus strand); deleting any 6 consecutive bases within chr11:116,790,715-116,790,725 gives the same sequence; the c. name uses the placement nearest the transcript's 3' end. VCF-style (leftmost placement, unchanged base first): chr11-116790714-AAAGCCC-A. GRCh37 (hg19) VCF-style: chr11-116661430-AAAGCCC-A.
Other names: c.509_514del, p.Trp170_Ala171del (NM_001166598.2, NM_052968.5).
Identifiers: ClinVar variation 2697497 (VCV002697497.3), dbSNP rs2540244577, ClinGen allele CA2697558959.

ClinVar aggregate classification (germline): Uncertain significance (1 of 4 stars; one submission).

Submission:

Labcorp Genetics (formerly Invitae), Labcorp
Classification: Uncertain significance. Last evaluated: 2024-04-11. Review status: criteria provided, single submitter. Criteria: Invitae Variant Classification Sherloc (09022015). Collection method: clinical testing. Allele origin: germline.
Comment: This variant, c.509_514del, results in the deletion of 2 amino acid(s) of the APOA5 protein (p.Trp170_Ala171del), but otherwise preserves the integrity of the reading frame. This variant is not present in population databases (gnomAD no frequency). This variant has not been reported in the literature in individuals affected with APOA5-related conditions. Experimental studies and prediction algorithms are not available or were not evaluated, and the functional significance of this variant is currently unknown. In summary, the available evidence is currently insufficient to determine the role of this variant in disease. Therefore, it has been classified as a Variant of Uncertain Significance.